The following is an entry in ClinVar:

ClinVar aggregate classification (germline): Uncertain significance (1 of 4 stars; one submission).

Conditions:
Cardiomyopathy (CMYO). Also called: Cardiomyopathies. Identifiers: Orphanet 167848, MedGen C0878544, MONDO:0004994, HP:0001638. Inheritance: Various modes of inheritance.

Submission:

Color Diagnostics, LLC DBA Color Health
Classification: Uncertain significance for Cardiomyopathy. Last evaluated: 2024-03-07. Review status: criteria provided, single submitter. Criteria: ACMG Guidelines, 2015. Collection method: clinical testing. Allele origin: germline.
Comment: This missense variant replaces serine with cysteine at codon 423 of the lamin A/C proteins. Computational prediction suggests that this variant may not impact protein structure and function (internally defined REVEL score threshold <= 0.5, PMID: 27666373). To our knowledge, functional studies have not been reported for this variant. This variant has not been reported in individuals affected with cardiovascular disorders in the literature. This variant has not been identified in the general population by the Genome Aggregation Database (gnomAD). The available evidence is insufficient to determine the role of this variant in disease conclusively. Therefore, this variant is classified as a Variant of Uncertain Significance.

NM_170707.4(LMNA):c.1268C>G (p.Ser423Cys)

Gene: LMNA (lamin A/C; plus strand). Cytogenetic location: 1q22.
Variant type: single nucleotide variant.
Coding change: c.1268C>G on transcript NM_170707.4 (MANE Select); coding-DNA position 1268, C replaced by G.
Protein change: p.Ser423Cys; replaces serine 423 with cysteine.
Molecular consequence: missense variant.
Genome position (GRCh38, 1-based): chr1:156,136,324, C>G. VCF-style: chr1-156136324-C-G. GRCh37 (hg19) VCF-style: chr1-156106115-C-G.
Other names: c.932C>G, p.Ser311Cys (NM_001257374.3); c.1025C>G, p.Ser342Cys (NM_001282624.2); c.1268C>G, p.Ser423Cys (NM_001282625.2, NM_001282626.2, NM_005572.4 and 1 more transcripts); short protein forms S311C, S342C, S423C.
Identifiers: ClinVar variation 1332078 (VCV001332078.3), dbSNP rs2102890409, ClinGen allele CA342821532.